The following is an entry in ClinVar:

ClinVar aggregate classification (germline): Likely benign. Review status: criteria provided, multiple submitters, no conflicts (2 of 4 stars). 2 submissions from 2 submitters: Likely benign (2). Last evaluated 2023-04-03.

Conditions:
Hypertrophic cardiomyopathy. Also called: HYPERTROPHIC MYOCARDIOPATHY. Identifiers: Orphanet 217569, MedGen C0007194, MeSH D002312, MONDO:0005045, HP:0001639.

Allele frequency attached by ClinVar (database versions not stated): gnomAD exomes below 0.00001.
gnomAD v4.1: 3 of 1,614,104 alleles (0.00019%); highest among the groups gnomAD compares: South Asian, 0.0022%; no homozygotes.

Submissions (2):

All of Us Research Program, National Institutes of Health
Classification: Likely benign for Hypertrophic cardiomyopathy. Last evaluated: 2023-04-03. Review status: criteria provided, single submitter. Criteria: ACMG Guidelines, 2015. Collection method: clinical testing. Allele origin: germline. Inheritance: Autosomal dominant inheritance. Observed: 1 variant allele, 1 heterozygote.
Comment: This study involves interpretation of variants in research participants for the purpose of population health screening. Participant phenotype was not available at the time of variant classification. Additional details can be found in publication PMID: 35346344, PMCID: PMC8962531

Labcorp Genetics (formerly Invitae), Labcorp
Classification: Likely benign for Hypertrophic cardiomyopathy. Last evaluated: 2023-01-30. Review status: criteria provided, single submitter. Criteria: Invitae Variant Classification Sherloc (09022015). Collection method: clinical testing. Allele origin: germline.

NM_001018005.2(TPM1):c.153G>A (p.Lys51=)

Gene: TPM1 (tropomyosin 1; plus strand). Cytogenetic location: 15q22.2.
Variant type: single nucleotide variant.
Coding change: c.153G>A on transcript NM_001018005.2 (MANE Select); coding-DNA position 153, G replaced by A.
Protein change: p.Lys51=; no amino-acid change (lysine 51 retained).
Molecular consequence: synonymous variant. On other transcripts: intron variant (3).
Genome position (GRCh38, 1-based): chr15:63,044,065, G>A. VCF-style: chr15-63044065-G-A. GRCh37 (hg19) VCF-style: chr15-63336264-G-A.
Other names: c.153G>A, p.Lys51= (NM_000366.6, NM_001018004.2, NM_001018006.2 and 3 more transcripts); c.279G>A, p.Lys93= (NM_001365778.1); c.240+234G>A (NM_001018020.2, NM_001018007.2, NM_001301244.2).
Identifiers: ClinVar variation 525085 (VCV000525085.9), dbSNP rs1555403378, ClinGen allele CA490679570.